The following is an entry in ClinVar:

ClinVar aggregate classification (germline): Uncertain significance (1 of 4 stars; one submission).

Conditions:
Cardiovascular phenotype. Identifiers: MedGen CN230736.

gnomAD v4.1: 7 of 1,606,648 alleles (0.00044%); highest among the groups gnomAD compares: Non-Finnish European, 0.0006%; no homozygotes.

Submission:

Ambry Genetics
Classification: Uncertain significance for Cardiovascular phenotype. Last evaluated: 2025-05-10. Review status: criteria provided, single submitter. Criteria: Ambry Variant Classification Scheme 2023. Collection method: clinical testing. Allele origin: germline.
Comment: The p.G1062S variant (also known as c.3184G>A), located in coding exon 17 of the SCN10A gene, results from a G to A substitution at nucleotide position 3184. The glycine at codon 1062 is replaced by serine, an amino acid with similar properties. This amino acid position is conserved. In addition, this alteration is predicted to be tolerated by in silico analysis. Based on the available evidence, the clinical significance of this variant remains unclear.

NM_006514.4(SCN10A):c.3184G>A (p.Gly1062Ser)

Genes: SCN10A (sodium voltage-gated channel alpha subunit 10; minus strand), LOC110121288 (VISTA enhancer hs2268; plus strand). Cytogenetic location: 3p22.2.
Variant type: single nucleotide variant.
Coding change: c.3184G>A on transcript NM_006514.4 (MANE Select); coding-DNA position 3184, G replaced by A.
Protein change: p.Gly1062Ser; replaces glycine 1062 with serine.
Molecular consequence: missense variant.
Genome position (GRCh38, 1-based): chr3:38,725,218, C>T on the plus strand (G>A on the coding strand, the complement: SCN10A is on the minus strand). VCF-style: chr3-38725218-C-T. GRCh37 (hg19) VCF-style: chr3-38766709-C-T.
Other names: c.3181G>A, p.Gly1061Ser (NM_001293306.2); c.2890G>A, p.Gly964Ser (NM_001293307.2); short protein forms G1062S, G1061S, G964S.
Identifiers: ClinVar variation 3950876 (VCV003950876.1).